The following is an entry in ClinVar:

NM_080732.4(EGLN2):c.329A>G (p.Gln110Arg)

Genes: RAB4B-EGLN2 (RAB4B-EGLN2 readthrough (NMD candidate); plus strand), EGLN2 (egl-9 family hypoxia inducible factor 2; plus strand). Cytogenetic location: 19q13.2.
Variant type: single nucleotide variant.
Coding change: c.329A>G on transcript NM_080732.4 (MANE Select); coding-DNA position 329, A replaced by G.
Protein change: p.Gln110Arg; replaces glutamine 110 with arginine.
Molecular consequence: missense variant. On other transcripts: non-coding transcript variant (1).
Genome position (GRCh38, 1-based): chr19:40,800,901, A>G. VCF-style: chr19-40800901-A-G. GRCh37 (hg19) VCF-style: chr19-41306806-A-G.
Other names: c.329A>G, p.Gln110Arg (NM_053046.4); short protein forms Q110R.
Identifiers: ClinVar variation 1729916 (VCV001729916.2), dbSNP rs2515993599, ClinGen allele CA405955028.

ClinVar aggregate classification (germline): Uncertain significance (1 of 4 stars; one submission).

Submission:

Ambry Genetics
Classification: Uncertain significance. Last evaluated: 2022-06-02. Review status: criteria provided, single submitter. Criteria: Ambry Variant Classification Scheme 2023. Collection method: clinical testing. Allele origin: germline.
Comment: The p.Q110R variant (also known as c.329A>G), located in coding exon 1 of the EGLN2 gene, results from an A to G substitution at nucleotide position 329. The glutamine at codon 110 is replaced by arginine, an amino acid with highly similar properties. This amino acid position is conserved. In addition, this alteration is predicted to be tolerated by in silico analysis. Since supporting evidence is limited at this time, the clinical significance of this alteration remains unclear.